The following is an entry in ClinVar:

NM_001374736.1(DST):c.11555G>A (p.Arg3852His)

Gene: DST (dystonin; minus strand). Cytogenetic location: 6p12.1.
Variant type: single nucleotide variant.
Coding change: c.11555G>A on transcript NM_001374736.1 (MANE Select); coding-DNA position 11555, G replaced by A.
Protein change: p.Arg3852His; replaces arginine 3852 with histidine.
Molecular consequence: missense variant.
Genome position (GRCh38, 1-based): chr6:56,600,208, C>T on the plus strand (G>A on the coding strand, the complement: DST is on the minus strand). VCF-style: chr6-56600208-C-T. GRCh37 (hg19) VCF-style: chr6-56465006-C-T.
Other names: c.5198G>A, p.Arg1733His (NM_001144769.5); c.4784G>A, p.Arg1595His (NM_001144770.2); c.11555G>A, p.Arg3852His (NM_001374722.1); c.10922G>A, p.Arg3641His (NM_001374729.1); c.4664G>A, p.Arg1555His (NM_001374730.1, NM_001386100.1, NM_183380.4); c.11582G>A, p.Arg3861His (NM_001374734.1); c.3686G>A, p.Arg1229His (NM_015548.5); short protein forms R1555H, R3852H, R3861H, R1229H, R1595H, R1733H, R3641H.
Identifiers: ClinVar variation 1437744 (VCV001437744.4), dbSNP rs776004085, ClinGen allele CA3868629.

ClinVar aggregate classification (germline): Uncertain significance (1 of 4 stars; one submission).

Conditions:
Epidermolysis bullosa simplex 3, localized or generalized intermediate, with BP230 deficiency (EBS3). Also called: Epidermolysis bullosa simplex due to BP230 deficiency; Epidermolysis bullosa simplex, autosomal recessive 2. Identifiers: Orphanet 412181, MedGen C3809470, MONDO:0014180, OMIM 615425.
Hereditary sensory and autonomic neuropathy type 6. Also called: HSAN VI; Neuropathy, hereditary sensory and autonomic, type VI. Identifiers: Orphanet 314381, MedGen C3539003, MONDO:0013839, OMIM 614653.

Allele frequency attached by ClinVar (database versions not stated): TOPMed below 0.00001; gnomAD 0.00001; ExAC 0.00002; gnomAD exomes 0.00003.
gnomAD v4.1: 49 of 1,611,736 alleles (0.003%); highest among the groups gnomAD compares: Middle Eastern, 0.016%; 1 homozygote.

Submission:

Labcorp Genetics (formerly Invitae), Labcorp
Classification: Uncertain significance for Epidermolysis bullosa simplex 3, localized or generalized intermediate, with BP230 deficiency; Hereditary sensory and autonomic neuropathy type 6. Last evaluated: 2021-11-18. Review status: criteria provided, single submitter. Criteria: Invitae Variant Classification Sherloc (09022015). Collection method: clinical testing. Allele origin: germline.
Comment: In summary, the available evidence is currently insufficient to determine the role of this variant in disease. Therefore, it has been classified as a Variant of Uncertain Significance. Experimental studies and prediction algorithms are not available or were not evaluated, and the functional significance of this variant is currently unknown. This variant has not been reported in the literature in individuals affected with DST-related conditions. This variant is present in population databases (rs776004085, gnomAD 0.01%). This sequence change replaces arginine, which is basic and polar, with histidine, which is basic and polar, at codon 1229 of the DST protein (p.Arg1229His). The DST gene has multiple clinically relevant transcripts. This variant occurs in alternate transcript NM_015548.4, and corresponds to NM_001723.5:c.*15309G>Ain the primary transcript.